The following is an entry in ClinVar:

NM_016169.4(SUFU):c.1365+1G>T

Gene: SUFU (SUFU negative regulator of hedgehog signaling; plus strand). Cytogenetic location: 10q24.32.
Variant type: single nucleotide variant.
Coding change: c.1365+1G>T on transcript NM_016169.4 (MANE Select); the canonical splice donor site of the intron after coding-DNA position 1365, G replaced by T.
Molecular consequence: splice donor variant.
Genome position (GRCh38, 1-based): chr10:102,627,244, G>T. VCF-style: chr10-102627244-G-T. GRCh37 (hg19) VCF-style: chr10-104387001-G-T.
Identifiers: ClinVar variation 5000041 (VCV005000041.1).

ClinVar aggregate classification (germline): Likely pathogenic (1 of 4 stars; one submission).

Conditions:
SUFU-related disorder. Also called: SUFU-related condition; SUFU-related disorders.

Submission:

PreventionGenetics, part of Exact Sciences
Classification: Likely pathogenic for SUFU-related condition. Last evaluated: 2024-11-22. Review status: criteria provided, single submitter. Criteria: ACMG Guidelines, 2015. Collection method: clinical testing. Allele origin: germline.
Comment: The SUFU c.1365+1G>T variant is predicted to disrupt the GT donor site and interfere with normal splicing. To our knowledge, this variant has not been reported in the literature or in a large population database (gnomAD), indicating this variant is rare. Another nucleotide change at this location, c.1365+1G>A, has been reported in an individual with clinical features of Gorlin syndrome (Huq et al. 2018. PubMed ID: 29356994) and is classified as likely pathogenic in Clinvar. Variants that disrupt the consensus splice donor site in SUFU are expected to be pathogenic. This variant is interpreted as likely pathogenic.